The following is an entry in ClinVar:

NM_000374.5(UROD):c.1064A>G (p.Asp355Gly)

Gene: UROD (uroporphyrinogen decarboxylase; plus strand). Cytogenetic location: 1p34.1.
Variant type: single nucleotide variant.
Coding change: c.1064A>G on transcript NM_000374.5 (MANE Select); coding-DNA position 1064, A replaced by G.
Protein change: p.Asp355Gly; replaces aspartic acid 355 with glycine.
Molecular consequence: missense variant. On other transcripts: non-coding transcript variant (3).
Genome position (GRCh38, 1-based): chr1:45,015,458, A>G. VCF-style: chr1-45015458-A-G. GRCh37 (hg19) VCF-style: chr1-45481130-A-G.
Other names: short protein forms D355G.
Identifiers: ClinVar variation 3662109 (VCV003662109.2).

ClinVar aggregate classification (germline): Uncertain significance (1 of 4 stars; one submission).

Submission:

Labcorp Genetics (formerly Invitae), Labcorp
Classification: Uncertain significance. Last evaluated: 2024-12-02. Review status: criteria provided, single submitter. Criteria: Invitae Variant Classification Sherloc (09022015). Collection method: clinical testing. Allele origin: germline.
Comment: This sequence change replaces aspartic acid, which is acidic and polar, with glycine, which is neutral and non-polar, at codon 355 of the UROD protein (p.Asp355Gly). This variant is not present in population databases (gnomAD no frequency). This variant has not been reported in the literature in individuals affected with UROD-related conditions. Invitae Evidence Modeling of protein sequence and biophysical properties (such as structural, functional, and spatial information, amino acid conservation, physicochemical variation, residue mobility, and thermodynamic stability) indicates that this missense variant is not expected to disrupt UROD protein function with a negative predictive value of 80%. Algorithms developed to predict the effect of sequence changes on RNA splicing suggest that this variant may disrupt the consensus splice site. In summary, the available evidence is currently insufficient to determine the role of this variant in disease. Therefore, it has been classified as a Variant of Uncertain Significance.